The following is an entry in ClinVar:

NM_004655.4(AXIN2):c.1918A>C (p.Thr640Pro)

Gene: AXIN2 (axin 2; minus strand). Cytogenetic location: 17q24.1.
Variant type: single nucleotide variant.
Coding change: c.1918A>C on transcript NM_004655.4 (MANE Select); coding-DNA position 1918, A replaced by C.
Protein change: p.Thr640Pro; replaces threonine 640 with proline.
Molecular consequence: missense variant.
Genome position (GRCh38, 1-based): chr17:65,536,543, T>G on the plus strand (A>C on the coding strand, the complement: AXIN2 is on the minus strand). VCF-style: chr17-65536543-T-G. GRCh37 (hg19) VCF-style: chr17-63532661-T-G.
Other names: c.1918A>C (LRG_296t1); c.1723A>C, p.Thr575Pro (NM_001363813.1); short protein forms T640P, T575P.
Identifiers: ClinVar variation 408851 (VCV000408851.20), dbSNP rs1060502157, ClinGen allele CA16615573.

ClinVar aggregate classification (germline): Uncertain significance. Review status: criteria provided, multiple submitters, no conflicts (2 of 4 stars). 5 submissions from 5 submitters: Uncertain significance (5). Last evaluated 2025-12-21.

Conditions:
Colorectal cancer. Also called: Malignant Colorectal Neoplasm; Colorectal cancer, somatic. Identifiers: MedGen C0346629, MONDO:0005575, OMIM 114500.
Oligodontia-cancer predisposition syndrome. Also called: TOOTH AGENESIS-COLORECTAL CANCER SYNDROME. Identifiers: Orphanet 300576, MedGen C1837750, MONDO:0012075, OMIM 608615. Disease mechanism: loss of function.
Hereditary cancer-predisposing syndrome. Also called: Neoplastic Syndromes, Hereditary; Tumor predisposition; Hereditary Cancer Syndrome; Hereditary neoplastic syndrome. Identifiers: Orphanet 140162, MedGen C0027672, MeSH D009386, MONDO:0015356.

Allele frequency attached by ClinVar (database versions not stated): gnomAD 0.00001; gnomAD exomes 0.00001.
gnomAD v4.1: 23 of 1,613,610 alleles (0.0014%); highest among the groups gnomAD compares: Non-Finnish European, 0.0018%; no homozygotes.

Submissions (5):

Labcorp Genetics (formerly Invitae), Labcorp
Classification: Uncertain significance for Oligodontia-cancer predisposition syndrome. Last evaluated: 2025-12-21. Review status: criteria provided, single submitter. Criteria: Invitae Variant Classification Sherloc (09022015). Collection method: clinical testing. Allele origin: germline.
Comment: This sequence change replaces threonine, which is neutral and polar, with proline, which is neutral and non-polar, at codon 640 of the AXIN2 protein (p.Thr640Pro). This variant is present in population databases (no rsID available, gnomAD 0.002%). This variant has not been reported in the literature in individuals affected with AXIN2-related conditions. ClinVar contains an entry for this variant (Variation ID: 408851). Invitae Evidence Modeling of protein sequence and biophysical properties (such as structural, functional, and spatial information, amino acid conservation, physicochemical variation, residue mobility, and thermodynamic stability) indicates that this missense variant is not expected to disrupt AXIN2 protein function with a negative predictive value of 80%. In summary, the available evidence is currently insufficient to determine the role of this variant in disease. Therefore, it has been classified as a Variant of Uncertain Significance.

Ambry Genetics
Classification: Uncertain significance for Hereditary cancer-predisposing syndrome. Last evaluated: 2024-06-07. Review status: criteria provided, single submitter. Criteria: Ambry Variant Classification Scheme 2023. Collection method: clinical testing. Allele origin: germline.
Comment: The p.T640P variant (also known as c.1918A>C), located in coding exon 7 of the AXIN2 gene, results from an A to C substitution at nucleotide position 1918. The threonine at codon 640 is replaced by proline, an amino acid with highly similar properties. This amino acid position is not well conserved in available vertebrate species. In addition, this alteration is predicted to be tolerated by in silico analysis. Since supporting evidence is limited at this time, the clinical significance of this alteration remains unclear.

Fulgent Genetics
Classification: Uncertain significance for Colorectal cancer; Oligodontia-cancer predisposition syndrome. Last evaluated: 2024-05-29. Review status: criteria provided, single submitter. Criteria: ACMG Guidelines, 2015. Collection method: clinical testing. Allele origin: germline.

Baylor Genetics
Classification: Uncertain significance for Colorectal cancer. Last evaluated: 2024-03-17. Review status: criteria provided, single submitter. Criteria: ACMG Guidelines, 2015. Collection method: clinical testing. Allele origin: unknown.

GeneDx
Classification: Uncertain significance. Last evaluated: 2020-02-12. Review status: criteria provided, single submitter. Criteria: GeneDx Variant Classification Process June 2021. Collection method: clinical testing. Allele origin: germline. Affected: yes.
Comment: Has not been previously published as pathogenic or benign to our knowledge; Not observed at a significant frequency in large population cohorts (Lek 2016); In silico analysis supports that this missense variant does not alter protein structure/function